The following is an entry in ClinVar:

NM_001127222.2(CACNA1A):c.7291G>A (p.Ala2431Thr)

Gene: CACNA1A (calcium voltage-gated channel subunit alpha1 A; minus strand). Cytogenetic location: 19p13.13.
Variant type: single nucleotide variant.
Coding change: c.7291G>A on transcript NM_001127222.2 (MANE Select); coding-DNA position 7291, G replaced by A.
Protein change: p.Ala2431Thr; replaces alanine 2431 with threonine.
Molecular consequence: missense variant. On other transcripts: 3 prime UTR variant (3).
Genome position (GRCh38, 1-based): chr19:13,207,543, C>T on the plus strand (G>A on the coding strand, the complement: CACNA1A is on the minus strand). VCF-style: chr19-13207543-C-T. GRCh37 (hg19) VCF-style: chr19-13318357-C-T.
Other names: c.*503G>A (NM_001127221.1, NM_000068.4, NM_001127221.2 and 1 more transcripts); c.7291G>A (NM_001127222.1); c.7309G>A, p.Ala2437Thr (NM_023035.3); short protein forms A2437T, A2431T.
Identifiers: ClinVar variation 446945 (VCV000446945.11), dbSNP rs1052515747, ClinGen allele CA305546424.

ClinVar aggregate classification (germline): Likely benign. Review status: criteria provided, multiple submitters, no conflicts (2 of 4 stars). 7 submissions from 7 submitters: Likely benign (2). 5 of the submissions do not count toward it. Last evaluated 2025-07-23.

Conditions:
CACNA1A-related disorder. Also called: CACNA1A-related condition.
Inborn genetic diseases. Identifiers: MedGen C0950123, MeSH D030342.

Allele frequency attached by ClinVar (database versions not stated): TOPMed 0.00014; gnomAD exomes 0.00017; gnomAD 0.00022 and 0.00024.
gnomAD v4.1: 349 of 1,454,612 alleles (0.024%); highest among the groups gnomAD compares: Non-Finnish European, 0.03%; no homozygotes.

Submissions (7):

Ambry Genetics
Classification: Likely benign for Inborn genetic diseases. Last evaluated: 2025-07-23. Review status: criteria provided, single submitter. Criteria: Ambry Variant Classification Scheme 2023. Collection method: clinical testing. Allele origin: germline.

Athena Diagnostics
Classification: Likely benign. Last evaluated: 2024-09-16. Review status: criteria provided, single submitter. Criteria: Athena Diagnostics Criteria. Collection method: clinical testing. Allele origin: unknown.

PreventionGenetics, part of Exact Sciences
Classification: Likely benign for CACNA1A-related condition. Last evaluated: 2022-08-30. Review status: no assertion criteria provided. Collection method: clinical testing. Allele origin: germline. Not counted in ClinVar's aggregate classification.
Comment: This variant is classified as likely benign based on ACMG/AMP sequence variant interpretation guidelines (Richards et al. 2015 PMID: 25741868, with internal and published modifications).

Clinical Genetics DNA and cytogenetics Diagnostics Lab, Erasmus MC, Erasmus Medical Center
Classification: Likely benign. Review status: no assertion criteria provided. Collection method: clinical testing. Allele origin: germline. Affected: yes. Study: VKGL Data-share Consensus. Not counted in ClinVar's aggregate classification.

Diagnostic Laboratory, Department of Genetics, University Medical Center Groningen
Classification: Likely benign. Review status: no assertion criteria provided. Collection method: clinical testing. Allele origin: germline. Affected: yes. Study: VKGL Data-share Consensus. Not counted in ClinVar's aggregate classification.

Genome Diagnostics Laboratory, University Medical Center Utrecht
Classification: Likely benign. Review status: no assertion criteria provided. Collection method: clinical testing. Allele origin: germline. Affected: yes. Study: VKGL Data-share Consensus. Not counted in ClinVar's aggregate classification.

Laboratory of Diagnostic Genome Analysis, Leiden University Medical Center (LUMC)
Classification: Likely benign. Review status: no assertion criteria provided. Collection method: clinical testing. Allele origin: germline. Affected: yes. Study: VKGL Data-share Consensus. Not counted in ClinVar's aggregate classification.